The following is an entry in ClinVar:

ClinVar aggregate classification (germline): Uncertain significance (1 of 4 stars; one submission).

Submission:

GeneDx
Classification: Uncertain significance. Last evaluated: 2025-03-14. Review status: criteria provided, single submitter. Criteria: GeneDx Variant Classification Process June 2021. Collection method: clinical testing. Allele origin: germline. Affected: yes.
Comment: Not observed at significant frequency in large population cohorts (gnomAD); In silico analysis supports that this missense variant has a deleterious effect on protein structure/function; Has not been previously published as pathogenic or benign to our knowledge; This variant is associated with the following publications: (PMID: 23334294)

NM_015915.5(ATL1):c.344G>T (p.Gly115Val)

Gene: ATL1 (atlastin GTPase 1; plus strand). Cytogenetic location: 14q22.1.
Variant type: single nucleotide variant.
Coding change: c.344G>T on transcript NM_015915.5 (MANE Select); coding-DNA position 344, G replaced by T.
Protein change: p.Gly115Val; replaces glycine 115 with valine.
Molecular consequence: missense variant.
Genome position (GRCh38, 1-based): chr14:50,591,002, G>T. VCF-style: chr14-50591002-G-T. GRCh37 (hg19) VCF-style: chr14-51057720-G-T.
Other names: c.344G>T, p.Gly115Val (NM_001127713.1, NM_181598.4); short protein forms G115V.
Identifiers: ClinVar variation 4086578 (VCV004086578.1).